The following is an entry in ClinVar:

NM_004304.5(ALK):c.4840A>T (p.Ser1614Cys)

Gene: ALK (ALK receptor tyrosine kinase; minus strand). Cytogenetic location: 2p23.2.
Variant type: single nucleotide variant.
Coding change: c.4840A>T on transcript NM_004304.5 (MANE Select); coding-DNA position 4840, A replaced by T.
Protein change: p.Ser1614Cys; replaces serine 1614 with cysteine.
Molecular consequence: missense variant.
Genome position (GRCh38, 1-based): chr2:29,193,247, T>A on the plus strand (A>T on the coding strand, the complement: ALK is on the minus strand). VCF-style: chr2-29193247-T-A. GRCh37 (hg19) VCF-style: chr2-29416113-T-A.
Other names: c.1636A>T, p.Ser546Cys (NM_001353765.2); short protein forms S1614C, S546C.
Identifiers: ClinVar variation 2914298 (VCV002914298.3), dbSNP rs2148136949, ClinGen allele CA346460040.

ClinVar aggregate classification (germline): Uncertain significance (1 of 4 stars; one submission).

Conditions:
Neuroblastoma, susceptibility to, 3. Also called: ALK-Related Neuroblastic Tumor Susceptibility. Identifiers: Orphanet 635, MedGen C2751681, MONDO:0013083, OMIM 613014.

Submission:

Labcorp Genetics (formerly Invitae), Labcorp
Classification: Uncertain significance for Neuroblastoma, susceptibility to, 3. Last evaluated: 2023-12-09. Review status: criteria provided, single submitter. Criteria: Invitae Variant Classification Sherloc (09022015). Collection method: clinical testing. Allele origin: germline.
Comment: This sequence change replaces serine, which is neutral and polar, with cysteine, which is neutral and slightly polar, at codon 1614 of the ALK protein (p.Ser1614Cys). This variant is not present in population databases (gnomAD no frequency). This variant has not been reported in the literature in individuals affected with ALK-related conditions. An algorithm developed to predict the effect of missense changes on protein structure and function (PolyPhen-2) suggests that this variant is likely to be tolerated. In summary, the available evidence is currently insufficient to determine the role of this variant in disease. Therefore, it has been classified as a Variant of Uncertain Significance.